The following is an entry in ClinVar:

ClinVar aggregate classification (germline): Uncertain significance (1 of 4 stars; one submission).

gnomAD v4.1: 2 of 1,612,810 alleles (0.00012%); highest among the groups gnomAD compares: South Asian, 0.0022%; no homozygotes.

Submission:

GeneDx
Classification: Uncertain significance. Last evaluated: 2025-06-02. Review status: criteria provided, single submitter. Criteria: GeneDx Variant Classification Process June 2021. Collection method: clinical testing. Allele origin: germline. Affected: yes.
Comment: Not observed at significant frequency in large population cohorts (gnomAD); In silico analysis supports that this missense variant has a deleterious effect on protein structure/function; Has not been previously published as pathogenic or benign to our knowledge

NM_001458.5(FLNC):c.7307C>T (p.Ala2436Val)

Genes: FLNC-AS1 (FLNC antisense RNA 1; minus strand), FLNC (filamin C; plus strand). Cytogenetic location: 7q32.1.
Variant type: single nucleotide variant.
Coding change: c.7307C>T on transcript NM_001458.5 (MANE Select); coding-DNA position 7307, C replaced by T.
Protein change: p.Ala2436Val; replaces alanine 2436 with valine.
Molecular consequence: missense variant.
Genome position (GRCh38, 1-based): chr7:128,856,573, C>T. VCF-style: chr7-128856573-C-T. GRCh37 (hg19) VCF-style: chr7-128496627-C-T.
Other names: c.7208C>T, p.Ala2403Val (NM_001127487.2); short protein forms A2403V, A2436V.
Identifiers: ClinVar variation 4536415 (VCV004536415.1).